The following is an entry in ClinVar:

ClinVar aggregate classification (germline): Likely pathogenic (1 of 4 stars; one submission).

Conditions:
Susceptibility to severe COVID-19.

Submission:

Molecular Medicine Center, Medical University of Sofia
Classification: Likely pathogenic for Susceptibility to severe COVID-19. Last evaluated: 2024-07-22. Review status: criteria provided, single submitter. Criteria: ACMG Guidelines, 2015. Collection method: research. Allele origin: germline. Affected: yes.
Comment: Novel (unreported in gnomAD or dbSNP until April 2024) variant found in severely infected COVID-19 Bulgarian patients in a research study. Variant is classified as likely pathogenic according to the ACMG criteria: PM2,PVS1.

NM_002458.3(MUC5B):c.897_898del (p.Ala300fs)

Gene: MUC5B (mucin 5B, oligomeric mucus/gel-forming; plus strand). Cytogenetic location: 11p15.5.
Variant type: Microsatellite.
Coding change: c.897_898del on transcript NM_002458.3 (MANE Select); coding-DNA positions 897 to 898, 2 bases deleted (TG; older notation c.897_898delTG).
Protein change: p.Ala300fs; shifts the reading frame from alanine 300.
Molecular consequence: frameshift variant.
Genome position (GRCh38, 1-based): chr11:1,228,686-1,228,687, TG deleted; deleting any 2 consecutive bases within chr11:1,228,683-1,228,687 gives the same sequence; the c. name uses the placement nearest the transcript's 3' end. VCF-style (leftmost placement, unchanged base first): chr11-1228682-CGT-C. GRCh37 (hg19) VCF-style: chr11-1249912-CGT-C.
Other names: c.897_898delTG (NM_002458.3); short protein forms A300fs.
Identifiers: ClinVar variation 3256937 (VCV003256937.1).